The following is an entry in ClinVar:

ClinVar aggregate classification (germline): Uncertain significance (1 of 4 stars; one submission).

Conditions:
Episodic ataxia type 2 (EA2). Also called: ATAXIA, EPISODIC, WITH NYSTAGMUS; ATAXIA, FAMILIAL PAROXYSMAL; CEREBELLAR ATAXIA, PAROXYSMAL, ACETAZOLAMIDE-RESPONSIVE; CEREBELLOPATHY, HEREDITARY PAROXYSMAL; EPISODIC ATAXIA, NYSTAGMUS-ASSOCIATED; ACETAZOLAMIDE-RESPONSIVE HEREDITARY PAROXYSMAL CEREBELLAR ATAXIA. Identifiers: Orphanet 97, MedGen C1720416, MONDO:0007163, OMIM 108500.
Developmental and epileptic encephalopathy, 42 (DEE42A). Also called: DEVELOPMENTAL AND EPILEPTIC ENCEPHALOPATHY 42A; EPILEPTIC ENCEPHALOPATHY, EARLY INFANTILE, 42A; Epileptic encephalopathy, early infantile, 42. Identifiers: MedGen C4310716, MONDO:0014917, OMIM 617106.

Submission:

Labcorp Genetics (formerly Invitae), Labcorp
Classification: Uncertain significance for Developmental and epileptic encephalopathy, 42; Episodic ataxia type 2. Last evaluated: 2022-08-15. Review status: criteria provided, single submitter. Criteria: Invitae Variant Classification Sherloc (09022015). Collection method: clinical testing. Allele origin: germline.
Comment: In summary, the available evidence is currently insufficient to determine the role of this variant in disease. Therefore, it has been classified as a Variant of Uncertain Significance. This variant disrupts a region of the CACNA1A protein in which other variant(s) (p.Asp1644Asn) have been observed in individuals with CACNA1A-related conditions (Invitae). This suggests that this is a clinically significant region of the protein, and that variants that disrupt it are likely to be disease-causing. Experimental studies and prediction algorithms are not available or were not evaluated, and the functional significance of this variant is currently unknown. A similar copy number variant has been observed in individual(s) with clinical features of episodic ataxia (PMID: 31810576). This variant is a gross deletion of the genomic region encompassing exon(s) 31 of the CACNA1A gene. This variant would be expected to be in-frame, preserving the integrity of the reading frame.

Literature cited by the submitters: PubMed 31810576.

NC_000019.9:g.(?_13355976)_(13356099_?)del

Gene: CACNA1A (calcium voltage-gated channel subunit alpha1 A; minus strand). Cytogenetic location: 19p13.2.
Variant type: Deletion.
Identifiers: ClinVar variation 2423750 (VCV002423750.6).